The following is an entry in ClinVar:

ClinVar aggregate classification (germline): Conflicting classifications of pathogenicity. Review status: criteria provided, conflicting classifications (1 of 4 stars). 6 submissions from 6 submitters: Uncertain significance (5); Likely benign (1). Last evaluated 2025-02-07.

Conditions:
Orofaciodigital syndrome type 6 (OFD6). Also called: Y-shaped central metacarpal and cerebellar defect; Joubert syndrome with orofacialdigital anomalies; OROFACIODIGITAL SYNDROME VI; OFDS VI; POLYDACTYLY, CLEFT LIP/PALATE OR LINGUAL LUMP, AND PSYCHOMOTOR RETARDATION; VARADI SYNDROME. Identifiers: Orphanet 2754, MedGen C2745997, MONDO:0010176, OMIM 277170.
Joubert syndrome 17 (JBTS17). Identifiers: Orphanet 475, MedGen C3553264, MONDO:0013824, OMIM 614615.
Inborn genetic diseases. Identifiers: MedGen C0950123, MeSH D030342.

Allele frequency attached by ClinVar (database versions not stated): ESP Exome Variant Server 0.00015; 1000 Genomes Project 0.00020; TOPMed 0.00022; 1000 Genomes Project 30x 0.00031; gnomAD exomes 0.00033 and 0.00038; gnomAD 0.00035 and 0.00036; ExAC 0.00041.
gnomAD v4.1: 596 of 1,613,086 alleles (0.037%); highest among the groups gnomAD compares: Non-Finnish European, 0.047%; no homozygotes.

Submissions (7):

GeneDx
Classification: Uncertain significance. Last evaluated: 2025-02-07. Review status: criteria provided, single submitter. Criteria: GeneDx Variant Classification Process June 2021. Collection method: clinical testing. Allele origin: germline. Affected: yes.
Comment: In silico analysis supports that this missense variant has a deleterious effect on protein structure/function; Has not been previously published as pathogenic or benign to our knowledge

Blueprint Genetics
Classification: Likely benign. Last evaluated: 2024-11-22. Review status: criteria provided, single submitter. Criteria: ACMG Guidelines, 2015. Collection method: clinical testing. Allele origin: germline.

Labcorp Genetics (formerly Invitae), Labcorp
Classification: Uncertain significance. Last evaluated: 2024-01-02. Review status: criteria provided, single submitter. Criteria: Invitae Variant Classification Sherloc (09022015). Collection method: clinical testing. Allele origin: germline.
Comment: This sequence change replaces arginine, which is basic and polar, with glycine, which is neutral and non-polar, at codon 2952 of the CPLANE1 protein (p.Arg2952Gly). This variant is present in population databases (rs116198390, gnomAD 0.07%). This variant has not been reported in the literature in individuals affected with CPLANE1-related conditions. ClinVar contains an entry for this variant (Variation ID: 353418). An algorithm developed to predict the effect of missense changes on protein structure and function (PolyPhen-2) suggests that this variant¬†is likely to be tolerated. In summary, the available evidence is currently insufficient to determine the role of this variant in disease. Therefore, it has been classified as a Variant of Uncertain Significance.

Ambry Genetics
Classification: Uncertain significance for Inborn genetic diseases. Last evaluated: 2021-02-01. Review status: criteria provided, single submitter. Criteria: Ambry Variant Classification Scheme 2023. Collection method: clinical testing. Allele origin: germline.

Fulgent Genetics
Classification: Uncertain significance for Orofaciodigital syndrome type 6; Joubert syndrome 17. Last evaluated: 2018-10-31. Review status: criteria provided, single submitter. Criteria: ACMG Guidelines, 2015. Collection method: clinical testing. Allele origin: unknown.

Illumina Laboratory Services, Illumina
Classification: Uncertain significance for Joubert syndrome 17. Last evaluated: 2018-01-13. Review status: criteria provided, single submitter. Criteria: ICSL Variant Classification Criteria 13 December 2019. Collection method: clinical testing. Allele origin: germline.

Dr. Peter K. Rogan Lab, Western University
No classification provided (evidence only). Condition: Nonpapillary renal cell carcinoma. Review status: no classification provided. Collection method: in vitro. Allele origin: not applicable. Functional consequence: retained intron. Not counted in ClinVar's aggregate classification.

NM_001384732.1(CPLANE1):c.9016A>G (p.Arg3006Gly)

Gene: CPLANE1 (ciliogenesis and planar polarity effector complex subunit 1; minus strand). Cytogenetic location: 5p13.2.
Variant type: single nucleotide variant.
Coding change: c.9016A>G on transcript NM_001384732.1 (MANE Select); coding-DNA position 9016, A replaced by G.
Protein change: p.Arg3006Gly; replaces arginine 3006 with glycine.
Molecular consequence: missense variant.
Genome position (GRCh38, 1-based): chr5:37,122,431, T>C on the plus strand (A>G on the coding strand, the complement: CPLANE1 is on the minus strand). VCF-style: chr5-37122431-T-C. GRCh37 (hg19) VCF-style: chr5-37122533-T-C.
Other names: c.8854A>G, p.Arg2952Gly (NM_023073.4); short protein forms R2952G, R3006G.
Identifiers: ClinVar variation 353418 (VCV000353418.17), dbSNP rs116198390, ClinGen allele CA3237599.